The following is an entry in ClinVar:

ClinVar aggregate classification (germline): Uncertain significance (1 of 4 stars; one submission).

Submission:

Labcorp Genetics (formerly Invitae), Labcorp
Classification: Uncertain significance. Last evaluated: 2021-08-24. Review status: criteria provided, single submitter. Criteria: Invitae Variant Classification Sherloc (09022015). Collection method: clinical testing. Allele origin: germline.
Comment: This sequence change replaces proline with serine at codon 818 of the ABCC6 protein (p.Pro818Ser). The proline residue is moderately conserved and there is a moderate physicochemical difference between proline and serine. This variant is not present in population databases (ExAC no frequency). This variant has not been reported in the literature in individuals affected with ABCC6-related conditions. Algorithms developed to predict the effect of missense changes on protein structure and function (SIFT, PolyPhen-2, Align-GVGD) all suggest that this variant is likely to be tolerated. In summary, the available evidence is currently insufficient to determine the role of this variant in disease. Therefore, it has been classified as a Variant of Uncertain Significance.

NM_001171.6(ABCC6):c.2452C>T (p.Pro818Ser)

Gene: ABCC6 (ATP binding cassette subfamily C member 6; minus strand). Cytogenetic location: 16p13.11.
Variant type: single nucleotide variant.
Coding change: c.2452C>T on transcript NM_001171.6 (MANE Select); coding-DNA position 2452, C replaced by T.
Protein change: p.Pro818Ser; replaces proline 818 with serine.
Molecular consequence: missense variant.
Genome position (GRCh38, 1-based): chr16:16,177,590, G>A on the plus strand (C>T on the coding strand, the complement: ABCC6 is on the minus strand). VCF-style: chr16-16177590-G-A. GRCh37 (hg19) VCF-style: chr16-16271447-G-A.
Other names: c.2110C>T, p.Pro704Ser (NM_001351800.1); short protein forms P704S, P818S.
Identifiers: ClinVar variation 1002382 (VCV001002382.6), dbSNP rs2047321115, ClinGen allele CA394887791.
Genomic context (GRCh38, chr16:16,177,590, plus strand): 5'-GGTAGGAACCCATCTCTGCGATGGCCCCATTTGCCAGCACTATGATCCAATCAGCCTGGG[G>A]CAGGATGTGGAGTGCGTGCGTCACGAGAATCCGTGTCTGGGCAGGGAAGGGGTAGAAGTT-3'
Protein context (NP_001162.5, residues 808-828): ILVTHALHIL[Pro818Ser]QADWIIVLAN